The following is an entry in ClinVar:

ClinVar aggregate classification (germline): Conflicting classifications of pathogenicity. Review status: criteria provided, conflicting classifications (1 of 4 stars). 9 submissions from 8 submitters: Uncertain significance (2); Benign (2); Likely benign (1). 4 of the submissions do not count toward it. Last evaluated 2026-02-01.

Conditions:
Mitochondrial complex I deficiency, nuclear type 1. Also called: NADH-COENZYME Q REDUCTASE DEFICIENCY; MITOCHONDRIAL NADH DEHYDROGENASE COMPONENT OF COMPLEX I, DEFICIENCY OF. Identifiers: MedGen C6022305, MONDO:0100224, OMIM 252010.
NDUFS8-related disorder. Also called: NDUFS8-related condition.
Leigh syndrome (NULS). Also called: Subacute necrotizing encephalopathy; Necrotizing encephalopathy infantile subacute of Leigh; LEIGH SYNDROME, NUCLEAR; Leigh Syndrome (mtDNA deletion); Leigh's syndrome; Leigh's necrotizing encephalopathy. Identifiers: Orphanet 506, MedGen C2931891, MONDO:0009723, OMIM 256000.

Allele frequency attached by ClinVar (database versions not stated): 1000 Genomes Project 30x 0.00141; 1000 Genomes Project 0.00180; ESP Exome Variant Server 0.00246; TOPMed 0.00266; gnomAD exomes 0.00314; ExAC 0.00351; gnomAD 0.00475.
gnomAD v4.1: 5,434 of 1,612,588 alleles (0.34%); highest among the groups gnomAD compares: Non-Finnish European, 0.36%; 26 homozygotes.

Submissions (9):

CeGaT Center for Human Genetics Tuebingen
Classification: Likely benign. Last evaluated: 2026-02-01. Review status: criteria provided, single submitter. Criteria: CeGaT Center For Human Genetics Tuebingen Variant Classification Criteria Version 2. Collection method: clinical testing. Allele origin: germline. Affected: yes. Observed: 6 variant alleles.
Comment: NDUFS8: BP4, BP7

Labcorp Genetics (formerly Invitae), Labcorp
Classification: Benign. Last evaluated: 2026-01-25. Review status: criteria provided, single submitter. Criteria: Invitae Variant Classification Sherloc (09022015). Collection method: clinical testing. Allele origin: germline.

Illumina Laboratory Services, Illumina
Classification: Uncertain significance for Mitochondrial complex I deficiency, nuclear type 1. Last evaluated: 2017-04-27. Review status: criteria provided, single submitter. Criteria: ICSL Variant Classification Criteria 13 December 2019. Collection method: clinical testing. Allele origin: germline.

Illumina Laboratory Services, Illumina
Classification: Uncertain significance for Leigh syndrome. Last evaluated: 2017-04-27. Review status: criteria provided, single submitter. Criteria: ICSL Variant Classification Criteria 13 December 2019. Collection method: clinical testing. Allele origin: germline.

GeneDx
Classification: Benign. Last evaluated: 2015-06-01. Review status: criteria provided, single submitter. Criteria: GeneDx Variant Classification (06012015). Collection method: clinical testing. Allele origin: germline. Affected: yes.
Comment: This variant is considered likely benign or benign based on one or more of the following criteria: it is a conservative change, it occurs at a poorly conserved position in the protein, it is predicted to be benign by multiple in silico algorithms, and/or has population frequency not consistent with disease.

PreventionGenetics, part of Exact Sciences
Classification: Benign for NDUFS8-related condition. Last evaluated: 2020-04-06. Review status: no assertion criteria provided. Collection method: clinical testing. Allele origin: germline. Not counted in ClinVar's aggregate classification.
Comment: This variant is classified as benign based on ACMG/AMP sequence variant interpretation guidelines (Richards et al. 2015 PMID: 25741868, with internal and published modifications).

Mayo Clinic Laboratories, Mayo Clinic
Classification: Likely benign. Last evaluated: 2016-02-19. Review status: no assertion criteria provided. Collection method: clinical testing. Allele origin: unknown. Not counted in ClinVar's aggregate classification.

Clinical Genetics DNA and cytogenetics Diagnostics Lab, Erasmus MC, Erasmus Medical Center
Classification: Likely benign. Review status: no assertion criteria provided. Collection method: clinical testing. Allele origin: germline. Affected: yes. Study: VKGL Data-share Consensus. Not counted in ClinVar's aggregate classification.

Diagnostic Laboratory, Department of Genetics, University Medical Center Groningen
Classification: Likely benign. Review status: no assertion criteria provided. Collection method: clinical testing. Allele origin: germline. Affected: yes. Study: VKGL Data-share Consensus. Not counted in ClinVar's aggregate classification.

NM_002496.4(NDUFS8):c.255G>A (p.Pro85=)

Gene: NDUFS8 (NADH:ubiquinone oxidoreductase core subunit S8; plus strand). Cytogenetic location: 11q13.2.
Variant type: single nucleotide variant.
Coding change: c.255G>A on transcript NM_002496.4 (MANE Select); coding-DNA position 255, G replaced by A.
Protein change: p.Pro85=; no amino-acid change (proline 85 retained).
Molecular consequence: synonymous variant.
Genome position (GRCh38, 1-based): chr11:68,033,166, G>A. VCF-style: chr11-68033166-G-A. GRCh37 (hg19) VCF-style: chr11-67800633-G-A.
Identifiers: ClinVar variation 378258 (VCV000378258.55), dbSNP rs144125742, ClinGen allele CA6146432.